The following is an entry in ClinVar:

ClinVar aggregate classification (germline): Uncertain significance (1 of 4 stars; one submission).

Conditions:
Hereditary sensory and autonomic neuropathy type 1 (HSAN1). Also called: HSAN 1; HSN Type I; Hereditary Sensory Neuropathy Type I. Identifiers: Orphanet 36386, MedGen C0020071, MONDO:0018213.

Allele frequency attached by ClinVar (database versions not stated): gnomAD 0.00001; gnomAD exomes below 0.00001; TOPMed below 0.00001.
gnomAD v4.1: 3 of 1,613,916 alleles (0.00019%); highest among the groups gnomAD compares: Admixed American, 0.0017%; no homozygotes.

Submission:

Labcorp Genetics (formerly Invitae), Labcorp
Classification: Uncertain significance for Hereditary sensory and autonomic neuropathy type 1. Last evaluated: 2024-01-17. Review status: criteria provided, single submitter. Criteria: Invitae Variant Classification Sherloc (09022015). Collection method: clinical testing. Allele origin: germline.
Comment: This sequence change replaces isoleucine, which is neutral and non-polar, with valine, which is neutral and non-polar, at codon 163 of the SPTLC1 protein (p.Ile163Val). This variant is not present in population databases (gnomAD no frequency). This variant has not been reported in the literature in individuals affected with SPTLC1-related conditions. ClinVar contains an entry for this variant (Variation ID: 1524433). Advanced modeling of protein sequence and biophysical properties (such as structural, functional, and spatial information, amino acid conservation, physicochemical variation, residue mobility, and thermodynamic stability) performed at Invitae indicates that this missense variant is not expected to disrupt SPTLC1 protein function with a negative predictive value of 80%. In summary, the available evidence is currently insufficient to determine the role of this variant in disease. Therefore, it has been classified as a Variant of Uncertain Significance.

NM_006415.4(SPTLC1):c.487A>G (p.Ile163Val)

Gene: SPTLC1 (serine palmitoyltransferase long chain base subunit 1; minus strand). Cytogenetic location: 9q22.31.
Variant type: single nucleotide variant.
Coding change: c.487A>G on transcript NM_006415.4 (MANE Select); coding-DNA position 487, A replaced by G.
Protein change: p.Ile163Val; replaces isoleucine 163 with valine.
Molecular consequence: missense variant.
Genome position (GRCh38, 1-based): chr9:92,068,039, T>C on the plus strand (A>G on the coding strand, the complement: SPTLC1 is on the minus strand). VCF-style: chr9-92068039-T-C. GRCh37 (hg19) VCF-style: chr9-94830321-T-C.
Other names: c.487A>G, p.Ile163Val (NM_001281303.2); c.121A>G, p.Ile41Val (NM_001368272.1); c.22A>G, p.Ile8Val (NM_001368273.1); short protein forms I8V, I163V, I41V.
Identifiers: ClinVar variation 1524433 (VCV001524433.6), dbSNP rs1834354491, ClinGen allele CA373798725.